The following is an entry in ClinVar:

NM_014297.5(ETHE1):c.386C>A (p.Thr129Asn)

Gene: ETHE1 (ETHE1 persulfide dioxygenase; minus strand). Cytogenetic location: 19q13.31.
Variant type: single nucleotide variant.
Coding change: c.386C>A on transcript NM_014297.5 (MANE Select); coding-DNA position 386, C replaced by A.
Protein change: p.Thr129Asn; replaces threonine 129 with asparagine.
Molecular consequence: missense variant.
Genome position (GRCh38, 1-based): chr19:43,511,556, G>T on the plus strand (C>A on the coding strand, the complement: ETHE1 is on the minus strand). VCF-style: chr19-43511556-G-T. GRCh37 (hg19) VCF-style: chr19-44015708-G-T.
Other names: c.353C>A, p.Thr118Asn (NM_001320867.2); c.17C>A, p.Thr6Asn (NM_001320868.2); c.92C>A, p.Thr31Asn (NM_001320869.2); short protein forms T31N, T6N, T118N, T129N.
Identifiers: ClinVar variation 1473487 (VCV001473487.8), dbSNP rs2145985053, ClinGen allele CA406175693.
Genomic context (GRCh38, chr19:43,511,556, plus strand): 5'-ATGCTGTGGTCATTCAGGACGAAGGTGACACAGCCTGGGGTGTGGCCAGGGCTGGCCCTG[G>T]TCTCCAACGCCTGGCAGGGGTGGAAGAGTACAGAGATAGTCACCAAGAAGCCTTCTAGAT-3'
Protein context (NP_055112.2, residues 119-139): SIRFGRFALE[Thr129Asn]RASPGHTPGC

ClinVar aggregate classification (germline): Uncertain significance (1 of 4 stars; one submission).

Conditions:
Ethylmalonic encephalopathy (EE). Also called: EPEMA syndrome; Encephalopathy, petechiae, and ethylmalonic aciduria; Syndrome of encephalopathy, petechiae, and ethylmalonic aciduria. Identifiers: Orphanet 51188, MedGen C1865349, MONDO:0011229, OMIM 602473. Disease mechanism: loss of function.

Allele frequency attached by ClinVar (database versions not stated): gnomAD exomes below 0.00001.
gnomAD v4.1: 1 of 1,613,626 alleles (0.000062%); highest among the groups gnomAD compares: African/African-American, 0.0013%; no homozygotes.

Submission:

Labcorp Genetics (formerly Invitae), Labcorp
Classification: Uncertain significance for Ethylmalonic encephalopathy. Last evaluated: 2022-11-01. Review status: criteria provided, single submitter. Criteria: Invitae Variant Classification Sherloc (09022015). Collection method: clinical testing. Allele origin: germline.
Comment: Advanced modeling of protein sequence and biophysical properties (such as structural, functional, and spatial information, amino acid conservation, physicochemical variation, residue mobility, and thermodynamic stability) performed at Invitae indicates that this missense variant is not expected to disrupt ETHE1 protein function. In summary, the available evidence is currently insufficient to determine the role of this variant in disease. Therefore, it has been classified as a Variant of Uncertain Significance. ClinVar contains an entry for this variant (Variation ID: 1473487). This variant has not been reported in the literature in individuals affected with ETHE1-related conditions. This variant is not present in population databases (gnomAD no frequency). This sequence change replaces threonine, which is neutral and polar, with asparagine, which is neutral and polar, at codon 129 of the ETHE1 protein (p.Thr129Asn).